The following is an entry in ClinVar:

NM_001171.6(ABCC6):c.2428G>A (p.Val810Met)

Gene: ABCC6 (ATP binding cassette subfamily C member 6; minus strand). Cytogenetic location: 16p13.11.
Variant type: single nucleotide variant.
Coding change: c.2428G>A on transcript NM_001171.6 (MANE Select); coding-DNA position 2428, G replaced by A.
Protein change: p.Val810Met; replaces valine 810 with methionine.
Molecular consequence: missense variant.
Genome position (GRCh38, 1-based): chr16:16,177,614, C>T on the plus strand (G>A on the coding strand, the complement: ABCC6 is on the minus strand). VCF-style: chr16-16177614-C-T. GRCh37 (hg19) VCF-style: chr16-16271471-C-T.
Other names: c.2086G>A, p.Val696Met (NM_001351800.1); short protein forms V810M, V696M.
Identifiers: ClinVar variation 426500 (VCV000426500.14), dbSNP rs72653795, ClinGen allele CA7925916.

ClinVar aggregate classification (germline): Conflicting classifications of pathogenicity. Review status: criteria provided, conflicting classifications (1 of 4 stars). 6 submissions from 6 submitters: Likely pathogenic (2); Uncertain significance (3). 1 of the submissions does not count toward it. Last evaluated 2025-10-30.

Conditions:
ABCC6-related disorder. Also called: ABCC6-related condition.
Autosomal recessive inherited pseudoxanthoma elasticum (PXE). Identifiers: Orphanet 758, MedGen CN032334, MONDO:0009925, OMIM 264800.
Pseudoxanthoma elasticum, forme fruste. Also called: Pseudoxanthoma Elasticum, Incomplete; PSEUDOXANTHOMA ELASTICUM, HETEROZYGOUS. Identifiers: Orphanet 758, MedGen C1867450, MONDO:0008333, OMIM 177850.
Arterial calcification, generalized, of infancy, 2. Identifiers: Orphanet 51608, MedGen C3276161, MONDO:0013768, OMIM 614473.

Allele frequency attached by ClinVar (database versions not stated): gnomAD 0.00002 and 0.00003; TOPMed 0.00002; ExAC 0.00007; gnomAD exomes 0.00009.
gnomAD v4.1: 77 of 1,614,052 alleles (0.0048%); highest among the groups gnomAD compares: South Asian, 0.022%; no homozygotes.

Submissions (6):

Dasa
Classification: Uncertain significance. Last evaluated: 2025-10-30. Review status: criteria provided, single submitter. Criteria: DASA Assertion Criteria. Collection method: clinical testing. Allele origin: germline.
Comment: NM_001171.6(ABCC6):c.2428G>A (p.Val810Met) is a missense variant that results in the substitution of valine with methionine. The affected residue or protein region has prior evidence supporting clinical relevance. This variant has been reported in individuals with ABCC6-related disorders. Also, this variant is rare in population databases. Computational prediction algorithms are consistent with a deleterious effect. The currently available literature and clinical evidence are not sufficient to establish a definitive association between this variant and the reported condition. Therefore, this variant is classified as a variant of uncertain significance.

Blueprint Genetics
Classification: Likely pathogenic for ABCC6-related disorders. Last evaluated: 2024-09-25. Review status: criteria provided, single submitter. Criteria: ACMG Guidelines, 2015. Collection method: clinical testing. Allele origin: germline. Affected: yes. Observed: 5 variant alleles.

Fulgent Genetics
Classification: Likely pathogenic for Pseudoxanthoma elasticum, forme fruste; Autosomal recessive inherited pseudoxanthoma elasticum; Arterial calcification, generalized, of infancy, 2. Last evaluated: 2024-04-29. Review status: criteria provided, single submitter. Criteria: ACMG Guidelines, 2015. Collection method: clinical testing. Allele origin: germline.

Labcorp Genetics (formerly Invitae), Labcorp
Classification: Uncertain significance. Last evaluated: 2022-08-09. Review status: criteria provided, single submitter. Criteria: Invitae Variant Classification Sherloc (09022015). Collection method: clinical testing. Allele origin: germline.
Comment: This sequence change replaces valine, which is neutral and non-polar, with methionine, which is neutral and non-polar, at codon 810 of the ABCC6 protein (p.Val810Met). This variant is present in population databases (rs72653795, gnomAD 0.03%). This missense change has been observed in individual(s) with pseudoxanthoma elasticum (PMID: 15459974). ClinVar contains an entry for this variant (Variation ID: 426500). Advanced modeling of protein sequence and biophysical properties (such as structural, functional, and spatial information, amino acid conservation, physicochemical variation, residue mobility, and thermodynamic stability) performed at Invitae indicates that this missense variant is expected to disrupt ABCC6 protein function. Experimental studies have shown that this missense change affects ABCC6 function (PMID: 30154241). In summary, the available evidence is currently insufficient to determine the role of this variant in disease. Therefore, it has been classified as a Variant of Uncertain Significance.

GeneDx
Classification: Uncertain significance. Last evaluated: 2017-04-13. Review status: criteria provided, single submitter. Criteria: GeneDx Variant Classification (06012015). Collection method: clinical testing. Allele origin: germline. Affected: yes.
Comment: Although no homozygous individuals were reported, the V810M variant is observed in 2/8652 alleles (0.023%) from individuals of East Asian background in the ExAC dataset (Lek et al., 2016). The V810M variant is a conservative amino acid substitution, which is not likely to impact secondary protein structure as these residues share similar properties. However, this substitution occurs at a position that is conserved across species, and in silico analysis predicts this variant is probably damaging to the protein structure/function. Missense variants in nearby residues (R807W, R807Q, and T811M) have been reported in the Human Gene Mutation Database in association with PXE (Stenson et al., 2014), supporting the functional importance of this region of the protein. Based on the updated population data and review of the data in the context of the 2015 ACMG standards and guidelines for the interpretation of sequence variants (Richards et al., 2015), we now interpret V810M as a variant of uncertain significance.

PXE International
Classification: Pathogenic for Autosomal recessive inherited pseudoxanthoma elasticum. Last evaluated: 2021-03-01. Review status: no assertion criteria provided. Collection method: research. Allele origin: germline. Inheritance: Autosomal recessive inheritance. Affected: yes. Not counted in ClinVar's aggregate classification.

Literature cited by the submitters: PubMed 15459974 (cited by Labcorp Genetics (formerly Invitae), Labcorp and PXE International); PubMed 30154241 (cited by Labcorp Genetics (formerly Invitae), Labcorp); PubMed 32873932 (cited by PXE International).